The following is an entry in ClinVar:

NM_024301.5(FKRP):c.323T>C (p.Leu108Pro)

Gene: FKRP (fukutin related protein; plus strand). Cytogenetic location: 19q13.32.
Variant type: single nucleotide variant.
Coding change: c.323T>C on transcript NM_024301.5 (MANE Select); coding-DNA position 323, T replaced by C.
Protein change: p.Leu108Pro; replaces leucine 108 with proline.
Molecular consequence: missense variant.
Genome position (GRCh38, 1-based): chr19:46,755,773, T>C. VCF-style: chr19-46755773-T-C. GRCh37 (hg19) VCF-style: chr19-47259030-T-C.
Other names: c.323T>C, p.Leu108Pro (NM_001039885.3); short protein forms L108P.
Identifiers: ClinVar variation 857909 (VCV000857909.12), dbSNP rs936866997, ClinGen allele CA309099247.
Genomic context (GRCh38, chr19:46,755,773, plus strand): 5'-ACCCGCCCCTGGCCCTGCCCCGCATCCCCAACGTGCGTCTGGCGCTGCTCCAGCCCGCCC[T>C]GGACCGGCCAGCCGCAGCCTCGCGCCCGGAGACCTACGTGGCCACCGAGTTTGTGGCCCT-3'
Protein context (NP_077277.1, residues 98-118): NVRLALLQPA[Leu108Pro]DRPAAASRPE

ClinVar aggregate classification (germline): Conflicting classifications of pathogenicity. Review status: criteria provided, conflicting classifications (1 of 4 stars). 6 submissions from 6 submitters: Uncertain significance (4); Likely benign (1). 1 of the submissions does not count toward it. Last evaluated 2026-01-25.

Conditions:
Cardiovascular phenotype. Identifiers: MedGen CN230736.
Muscular dystrophy-dystroglycanopathy (congenital with brain and eye anomalies), type A5. Also called: WALKER-WARBURG SYNDROME OR MUSCLE-EYE-BRAIN DISEASE, FKRP-RELATED; MUSCULAR DYSTROPHY-DYSTROGLYCANOPATHY (CONGENITAL WITH BRAIN AND EYE ANOMALIES), TYPE A, 5. Identifiers: Orphanet 588, Orphanet 899, MedGen C3150413, MONDO:0013157, OMIM 613153.
Walker-Warburg congenital muscular dystrophy. Also called: Muscular dystrophy-dystroglycanopathy, type A; Walker-Warburg syndrome. Identifiers: Orphanet 899, MedGen C0265221, MONDO:0000171.
Autosomal recessive limb-girdle muscular dystrophy type 2I. Also called: MUSCULAR DYSTROPHY-DYSTROGLYCANOPATHY, LIMB-GIRDLE, FRKP-RELATED; MUSCULAR DYSTROPHY, LIMB-GIRDLE, TYPE 2I; MUSCULAR DYSTROPHY-DYSTROGLYCANOPATHY (LIMB-GIRDLE), TYPE C, 5. Identifiers: Orphanet 34515, MedGen C1846672, MONDO:0011787, OMIM 607155.

Allele frequency attached by ClinVar (database versions not stated): gnomAD exomes 0.00001 and 0.00006; TOPMed 0.00002; gnomAD 0.00003 and 0.00005; 1000 Genomes Project 30x 0.00016.
gnomAD v4.1: 27 of 1,532,774 alleles (0.0018%); highest among the groups gnomAD compares: East Asian, 0.054%; no homozygotes.

Submissions (6):

Labcorp Genetics (formerly Invitae), Labcorp
Classification: Likely benign for Walker-Warburg congenital muscular dystrophy. Last evaluated: 2026-01-25. Review status: criteria provided, single submitter. Criteria: Invitae Variant Classification Sherloc (09022015). Collection method: clinical testing. Allele origin: germline.

Revvity Omics, Revvity
Classification: Uncertain significance. Last evaluated: 2025-02-25. Review status: criteria provided, single submitter. Criteria: ACMG Guidelines, 2015. Collection method: clinical testing. Allele origin: germline.

Ambry Genetics
Classification: Uncertain significance for Cardiovascular phenotype. Last evaluated: 2023-11-28. Review status: criteria provided, single submitter. Criteria: Ambry Variant Classification Scheme 2023. Collection method: clinical testing. Allele origin: germline.
Comment: The p.L108P variant (also known as c.323T>C), located in coding exon 1 of the FKRP gene, results from a T to C substitution at nucleotide position 323. The leucine at codon 108 is replaced by proline, an amino acid with similar properties. This amino acid position is not well conserved in available vertebrate species. In addition, this alteration is predicted to be tolerated by in silico analysis. Since supporting evidence is limited at this time, the clinical significance of this alteration remains unclear.

GeneDx
Classification: Uncertain significance. Last evaluated: 2022-05-25. Review status: criteria provided, single submitter. Criteria: GeneDx Variant Classification Process June 2021. Collection method: clinical testing. Allele origin: germline. Affected: yes.
Comment: In silico analysis supports that this missense variant does not alter protein structure/function; Has not been previously published as pathogenic or benign to our knowledge

Baylor Genetics
Classification: Uncertain significance for Muscular dystrophy-dystroglycanopathy (congenital with brain and eye anomalies), type A5. Last evaluated: 2018-06-27. Review status: criteria provided, single submitter. Criteria: ACMG Guidelines, 2015. Collection method: clinical testing. Allele origin: unknown. Affected: yes.
Comment: This variant was determined to be of uncertain significance according to ACMG Guidelines, 2015 [PMID:25741868].

Natera, Inc.
Classification: Uncertain significance for Limb-girdle muscular dystrophy type 2I. Last evaluated: 2020-01-24. Review status: no assertion criteria provided. Collection method: clinical testing. Allele origin: germline. Not counted in ClinVar's aggregate classification.